The following is an entry in ClinVar:

ClinVar aggregate classification (germline): Conflicting classifications of pathogenicity. Review status: criteria provided, conflicting classifications (1 of 4 stars). 3 submissions from 3 submitters: Uncertain significance (2); Likely benign (1). Last evaluated 2025-09-03.

Conditions:
FLNB-Related Spectrum Disorders.

Allele frequency attached by ClinVar (database versions not stated): TOPMed 0.00001; gnomAD exomes 0.00003; ExAC 0.00005; gnomAD 0.00005; 1000 Genomes Project 30x 0.00031; 1000 Genomes Project 0.00040.
gnomAD v4.1: 346 of 1,614,232 alleles (0.021%); highest among the groups gnomAD compares: East Asian, 0.75%; 1 homozygote.

Submissions (3):

Labcorp Genetics (formerly Invitae), Labcorp
Classification: Likely benign. Last evaluated: 2025-09-03. Review status: criteria provided, single submitter. Criteria: Invitae Variant Classification Sherloc (09022015). Collection method: clinical testing. Allele origin: germline.

Women's Health and Genetics/Laboratory Corporation of America, LabCorp
Classification: Uncertain significance. Last evaluated: 2022-08-12. Review status: criteria provided, single submitter. Criteria: LabCorp Variant Classification Summary - May 2015. Collection method: clinical testing. Allele origin: germline.
Comment: Variant summary: FLNB c.3792C>A (p.Asp1264Glu) results in a conservative amino acid change located in the Filamin/ABP280 repeat (IPR001298) of the encoded protein sequence. Four of five in-silico tools predict a benign effect of the variant on protein function. The variant allele was found at a frequency of 2.8e-05 in 251484 control chromosomes (gnomAD). The available data on variant occurrences in the general population are insufficient to allow any conclusion about variant significance. To our knowledge, no occurrence of c.3792C>A in individuals affected with Larsen Syndrome and no experimental evidence demonstrating its impact on protein function have been reported. Two ClinVar submitters have assessed the variant since 2014: both classified the variant as of uncertain significance. Based on the evidence outlined above, the variant was classified as uncertain significance.

Illumina Laboratory Services, Illumina
Classification: Uncertain significance for FLNB-Related Spectrum Disorders. Last evaluated: 2018-01-13. Review status: criteria provided, single submitter. Criteria: ICSL Variant Classification Criteria 13 December 2019. Collection method: clinical testing. Allele origin: germline.

NM_001457.4(FLNB):c.3792C>A (p.Asp1264Glu)

Gene: FLNB (filamin B; plus strand). Cytogenetic location: 3p14.3.
Variant type: single nucleotide variant.
Coding change: c.3792C>A on transcript NM_001457.4 (MANE Select); coding-DNA position 3792, C replaced by A.
Protein change: p.Asp1264Glu; replaces aspartic acid 1264 with glutamic acid.
Molecular consequence: missense variant.
Genome position (GRCh38, 1-based): chr3:58,124,399, C>A. VCF-style: chr3-58124399-C-A. GRCh37 (hg19) VCF-style: chr3-58110126-C-A.
Other names: c.3792C>A, p.Asp1264Glu (NM_001164317.2, NM_001164318.2, NM_001164319.2); short protein forms D1264E.
Identifiers: ClinVar variation 899517 (VCV000899517.12), dbSNP rs200622119, ClinGen allele CA2468542.